The following is an entry in ClinVar:

ClinVar aggregate classification (germline): Uncertain significance (1 of 4 stars; one submission).

Submission:

GeneDx
Classification: Uncertain significance. Last evaluated: 2020-01-13. Review status: criteria provided, single submitter. Criteria: GeneDx Variant Classification Process June 2021. Collection method: clinical testing. Allele origin: germline. Affected: yes.
Comment: Not observed in large population cohorts (Lek et al., 2016); In silico analysis, which includes protein predictors and evolutionary conservation, supports that this variant does not alter protein structure/function; Has not been previously published as pathogenic or benign to our knowledge

NM_001127222.2(CACNA1A):c.1885C>A (p.Leu629Ile)

Gene: CACNA1A (calcium voltage-gated channel subunit alpha1 A; minus strand). Cytogenetic location: 19p13.13.
Variant type: single nucleotide variant.
Coding change: c.1885C>A on transcript NM_001127222.2 (MANE Select); coding-DNA position 1885, C replaced by A.
Protein change: p.Leu629Ile; replaces leucine 629 with isoleucine.
Molecular consequence: missense variant.
Genome position (GRCh38, 1-based): chr19:13,308,148, G>T on the plus strand (C>A on the coding strand, the complement: CACNA1A is on the minus strand). VCF-style: chr19-13308148-G-T. GRCh37 (hg19) VCF-style: chr19-13418962-G-T.
Other names: c.1888C>A, p.Leu630Ile (NM_000068.4, NM_001127221.2, NM_001174080.2 and 1 more transcripts); short protein forms L629I, L630I.
Identifiers: ClinVar variation 1311887 (VCV001311887.2), dbSNP rs2145003975, ClinGen allele CA404344773.